The following is an entry in ClinVar:

NC_012920.1(MT-RNR1):m.1377C>A

Gene: MT-RNR1 (mitochondrially encoded 12S RNA; plus strand).
Variant type: single nucleotide variant.
Genome position: chrM-1377-C-A.
Identifiers: ClinVar variation 667265 (VCV000667265.4), dbSNP rs1603218549, ClinGen allele CA913162320.

ClinVar aggregate classification (germline): Uncertain significance (1 of 4 stars; one submission).

Submission:

Laboratory for Molecular Medicine, Mass General Brigham Personalized Medicine
Classification: Uncertain significance. Last evaluated: 2018-02-27. Review status: criteria provided, single submitter. Criteria: LMM Criteria. Collection method: clinical testing. Allele origin: germline. Observed: 2 variant alleles.
Comment: The m.1377C>A variant in MTRNR1 has not been previously reported in individuals with hearing loss or in public databases. In summary, the clinical significance of the m.1377C>A variant is uncertain ACMG/AMP Criteria applied: None.